The following is an entry in ClinVar:

ClinVar aggregate classification (germline): Uncertain significance (1 of 4 stars; one submission).

Conditions:
Inborn genetic diseases. Identifiers: MedGen C0950123, MeSH D030342.

gnomAD v4.1: 1 of 1,613,976 alleles (0.000062%); highest among the groups gnomAD compares: Non-Finnish European, 0.000085%; no homozygotes.

Submission:

Ambry Genetics
Classification: Uncertain significance for Inborn genetic diseases. Last evaluated: 2025-04-17. Review status: criteria provided, single submitter. Criteria: Ambry Variant Classification Scheme 2023. Collection method: clinical testing. Allele origin: germline.
Comment: The p.K1177N variant (also known as c.3531A>T), located in coding exon 24 of the ANKRD26 gene, results from an A to T substitution at nucleotide position 3531. The lysine at codon 1177 is replaced by asparagine, an amino acid with similar properties. This amino acid position is conserved. In addition, this alteration is predicted to be tolerated by in silico analysis. Based on the available evidence, the clinical significance of this variant remains unclear.

NM_014915.3(ANKRD26):c.3531A>T (p.Lys1177Asn)

Gene: ANKRD26 (ankyrin repeat domain containing 26; minus strand). Cytogenetic location: 10p12.1.
Variant type: single nucleotide variant.
Coding change: c.3531A>T on transcript NM_014915.3 (MANE Select); coding-DNA position 3531, A replaced by T.
Protein change: p.Lys1177Asn; replaces lysine 1177 with asparagine.
Molecular consequence: missense variant.
Genome position (GRCh38, 1-based): chr10:27,034,919, T>A on the plus strand (A>T on the coding strand, the complement: ANKRD26 is on the minus strand). VCF-style: chr10-27034919-T-A. GRCh37 (hg19) VCF-style: chr10-27323848-T-A.
Other names: c.3528A>T, p.Lys1176Asn (NM_001256053.2); short protein forms K1176N, K1177N.
Identifiers: ClinVar variation 3912355 (VCV003912355.1).